The following is an entry in ClinVar:

NM_020207.7(ERCC6L2):c.1349C>T (p.Thr450Ile)

Gene: ERCC6L2 (ERCC excision repair 6 like 2; plus strand). Cytogenetic location: 9q22.32.
Variant type: single nucleotide variant.
Coding change: c.1349C>T on transcript NM_020207.7 (MANE Select); coding-DNA position 1349, C replaced by T.
Protein change: p.Thr450Ile; replaces threonine 450 with isoleucine.
Molecular consequence: missense variant. On other transcripts: non-coding transcript variant (1).
Genome position (GRCh38, 1-based): chr9:95,922,354, C>T. VCF-style: chr9-95922354-C-T. GRCh37 (hg19) VCF-style: chr9-98684636-C-T.
Other names: c.1349C>T, p.Thr450Ile (NM_001010895.4, NM_001375291.1, NM_001375292.1 and 2 more transcripts); short protein forms T450I.
Identifiers: ClinVar variation 3509987 (VCV003509987.1).

ClinVar aggregate classification (germline): Uncertain significance (1 of 4 stars; one submission).

Conditions:
Inborn genetic diseases. Identifiers: MedGen C0950123, MeSH D030342.

gnomAD v4.1: 4 of 1,613,322 alleles (0.00025%); highest among the groups gnomAD compares: Admixed American, 0.0067%; no homozygotes.

Submission:

Ambry Genetics
Classification: Uncertain significance for Inborn genetic diseases. Last evaluated: 2024-11-25. Review status: criteria provided, single submitter. Criteria: Ambry Variant Classification Scheme 2023. Collection method: clinical testing. Allele origin: germline.
Comment: The p.T450I variant (also known as c.1349C>T), located in coding exon 8 of the ERCC6L2 gene, results from a C to T substitution at nucleotide position 1349. The threonine at codon 450 is replaced by isoleucine, an amino acid with similar properties. This amino acid position is conserved. In addition, the in silico prediction for this alteration is inconclusive. Based on the available evidence, the clinical significance of this variant remains unclear.